The following is an entry in ClinVar:

ClinVar aggregate classification (germline): Uncertain significance (1 of 4 stars; one submission).

Submission:

Labcorp Genetics (formerly Invitae), Labcorp
Classification: Uncertain significance. Last evaluated: 2024-07-11. Review status: criteria provided, single submitter. Criteria: Invitae Variant Classification Sherloc (09022015). Collection method: clinical testing. Allele origin: germline.
Comment: This sequence change replaces serine, which is neutral and polar, with cysteine, which is neutral and slightly polar, at codon 574 of the DMXL2 protein (p.Ser574Cys). This variant is not present in population databases (gnomAD no frequency). This variant has not been reported in the literature in individuals affected with DMXL2-related conditions. ClinVar contains an entry for this variant (Variation ID: 1942195). An algorithm developed to predict the effect of missense changes on protein structure and function (PolyPhen-2) suggests that this variant is likely to be tolerated. In summary, the available evidence is currently insufficient to determine the role of this variant in disease. Therefore, it has been classified as a Variant of Uncertain Significance.

NM_001378457.1(DMXL2):c.1721C>G (p.Ser574Cys)

Gene: DMXL2 (Dmx like 2; minus strand). Cytogenetic location: 15q21.2.
Variant type: single nucleotide variant.
Coding change: c.1721C>G on transcript NM_001378457.1 (MANE Select); coding-DNA position 1721, C replaced by G.
Protein change: p.Ser574Cys; replaces serine 574 with cysteine.
Molecular consequence: missense variant. On other transcripts: non-coding transcript variant (2).
Genome position (GRCh38, 1-based): chr15:51,536,759, G>C on the plus strand (C>G on the coding strand, the complement: DMXL2 is on the minus strand). VCF-style: chr15-51536759-G-C. GRCh37 (hg19) VCF-style: chr15-51828956-G-C.
Other names: c.1721C>G, p.Ser574Cys (NM_001174116.3, NM_001174117.3, NM_001378458.1 and 6 more transcripts); c.1481C>G, p.Ser494Cys (NM_001378464.1); short protein forms S574C, S494C.
Identifiers: ClinVar variation 1942195 (VCV001942195.4), dbSNP rs536579523, ClinGen allele CA392466773.